The following is an entry in ClinVar:

NM_000138.5(FBN1):c.6314-2A>C

Gene: FBN1 (fibrillin 1; minus strand). Cytogenetic location: 15q21.1.
Variant type: single nucleotide variant.
Coding change: c.6314-2A>C on transcript NM_000138.5 (MANE Select); the canonical splice acceptor site of the intron before coding-DNA position 6314, A replaced by C.
Molecular consequence: splice acceptor variant.
Genome position (GRCh38, 1-based): chr15:48,437,389, T>G on the plus strand (A>C on the coding strand, the complement: FBN1 is on the minus strand). VCF-style: chr15-48437389-T-G. GRCh37 (hg19) VCF-style: chr15-48729586-T-G.
Other names: c.6314-2A>C (NM_001406716.1).
Identifiers: ClinVar variation 1374729 (VCV001374729.6), dbSNP rs2141240964, ClinGen allele CA392336878.

ClinVar aggregate classification (germline): Pathogenic (1 of 4 stars; one submission).

Conditions:
Marfan syndrome (MFS). Also called: Marfan syndrome type 1; Marfan's syndrome; FBN1-Related Marfan Syndrome; MARFAN SYNDROME, TYPE I; Marfan syndrome, classic. Identifiers: Orphanet 284963, Orphanet 558, MedGen C0024796, MONDO:0007947, OMIM 154700.
Familial thoracic aortic aneurysm and aortic dissection (TAAD). Also called: Thoracic aortic aneurysms and dissections. Identifiers: Orphanet 91387, MedGen C4707243, MONDO:0019625.

Submission:

Labcorp Genetics (formerly Invitae), Labcorp
Classification: Pathogenic for Marfan syndrome; Familial thoracic aortic aneurysm and aortic dissection. Last evaluated: 2023-09-10. Review status: criteria provided, single submitter. Criteria: Invitae Variant Classification Sherloc (09022015). Collection method: clinical testing. Allele origin: germline.
Comment: For these reasons, this variant has been classified as Pathogenic. ClinVar contains an entry for this variant (Variation ID: 1374729). Disruption of this splice site has been observed in individuals with clinical features of FBN1-related conditions (PMID: 27906200, 31098894). This variant is not present in population databases (gnomAD no frequency). This sequence change affects an acceptor splice site in intron 51 of the FBN1 gene. It is expected to disrupt RNA splicing. Variants that disrupt the donor or acceptor splice site typically lead to a loss of protein function (PMID: 16199547), and loss-of-function variants in FBN1 are known to be pathogenic (PMID: 17657824, 19293843).

Literature cited by the submitters: PubMed 27906200; PubMed 31098894; PubMed 16199547; PubMed 17657824; PubMed 19293843.